The following is an entry in ClinVar:

NM_003743.5(NCOA1):c.3815C>T (p.Pro1272Leu)

Gene: NCOA1 (nuclear receptor coactivator 1; plus strand). Cytogenetic location: 2p23.3.
Variant type: single nucleotide variant.
Coding change: c.3815C>T on transcript NM_003743.5 (MANE Select); coding-DNA position 3815, C replaced by T.
Protein change: p.Pro1272Leu; replaces proline 1272 with leucine.
Molecular consequence: missense variant.
Genome position (GRCh38, 1-based): chr2:24,752,090, C>T. VCF-style: chr2-24752090-C-T. GRCh37 (hg19) VCF-style: chr2-24974959-C-T.
Other names: c.3815C>T, p.Pro1272Leu (NM_001362950.1, NM_001362952.1, NM_001362954.1 and 3 more transcripts); short protein forms P1272L.
Identifiers: ClinVar variation 3350793 (VCV003350793.2).

ClinVar aggregate classification (germline): Uncertain significance. Review status: criteria provided, single submitter (1 of 4 stars). 2 submissions from 2 submitters: Uncertain significance (1). 1 of the submissions does not count toward it. Last evaluated 2025-02-26.

Conditions:
NCOA1-related disorder. Also called: NCOA1-related condition.

gnomAD v4.1: 82 of 1,614,040 alleles (0.0051%); highest among the groups gnomAD compares: Non-Finnish European, 0.0064%; no homozygotes.

Submissions (2):

Ambry Genetics
Classification: Uncertain significance. Last evaluated: 2025-02-26. Review status: criteria provided, single submitter. Criteria: Ambry Variant Classification Scheme 2023. Collection method: clinical testing. Allele origin: germline.

PreventionGenetics, part of Exact Sciences
Classification: Uncertain significance for NCOA1-related condition. Last evaluated: 2024-05-31. Review status: no assertion criteria provided. Collection method: clinical testing. Allele origin: germline. Not counted in ClinVar's aggregate classification.
Comment: The NCOA1 c.3815C>T variant is predicted to result in the amino acid substitution p.Pro1272Leu. To our knowledge, this variant has not been reported in the literature. This variant is reported in 0.013% of alleles in individuals of European (Non-Finnish) descent in gnomAD. At this time, the clinical significance of this variant is uncertain due to the absence of conclusive functional and genetic evidence.